The following is an entry in ClinVar:

NM_021939.4(FKBP10):c.588T>G (p.Ser196Arg)

Gene: FKBP10 (FKBP prolyl isomerase 10; plus strand). Cytogenetic location: 17q21.2.
Variant type: single nucleotide variant.
Coding change: c.588T>G on transcript NM_021939.4 (MANE Select); coding-DNA position 588, T replaced by G.
Protein change: p.Ser196Arg; replaces serine 196 with arginine.
Molecular consequence: missense variant.
Genome position (GRCh38, 1-based): chr17:41,818,388, T>G. VCF-style: chr17-41818388-T-G. GRCh37 (hg19) VCF-style: chr17-39974640-T-G.
Other names: p.Ser196Arg; short protein forms S196R.
Identifiers: ClinVar variation 3095288 (VCV003095288.4), dbSNP rs1555616421, ClinGen allele CA399514769.
Genomic context (GRCh38, chr17:41,818,388, plus strand): 5'-AGCGGGAATCCGGGGCCCAGCCTGCCTCTCCCACCTCCACCTCATTTTCTGCAGCTACAG[T>G]AAGGGCGGCACTTATGACACCTACGTCGGCTCTGGTTGGCTGATCAAGGGCATGGACCAG-3'
Protein context (NP_068758.3, residues 186-206): LDGTSFDTSY[Ser196Arg]KGGTYDTYVG

ClinVar aggregate classification (germline): Uncertain significance. Review status: criteria provided, multiple submitters, no conflicts (2 of 4 stars). 4 submissions from 4 submitters: Uncertain significance (4). Last evaluated 2025-07-27.

Conditions:
Inborn genetic diseases. Identifiers: MedGen C0950123, MeSH D030342.
FKBP10-related disorder. Also called: FKBP10-related condition.

Allele frequency attached by ClinVar (database versions not stated): TOPMed below 0.00001; gnomAD exomes 0.00001.
gnomAD v4.1: 3 of 1,614,144 alleles (0.00019%); highest among the groups gnomAD compares: Admixed American, 0.005%; no homozygotes.

Submissions (4):

PreventionGenetics, part of Exact Sciences
Classification: Uncertain significance for FKBP10-related condition. Last evaluated: 2025-07-27. Review status: criteria provided, single submitter. Criteria: ACMG Guidelines, 2015. Collection method: clinical testing. Allele origin: germline.
Comment: The FKBP10 c.588T>G variant is predicted to result in the amino acid substitution p.Ser196Arg. To our knowledge, this variant has not been reported in the literature. This variant is reported in 0.0058% of alleles in individuals of Latino descent in gnomAD. At this time, the clinical significance of this variant is uncertain due to the absence of conclusive functional and genetic evidence.

Women's Health and Genetics/Laboratory Corporation of America, LabCorp
Classification: Uncertain significance. Last evaluated: 2025-07-13. Review status: criteria provided, single submitter. Criteria: LabCorp Variant Classification Summary - May 2015. Collection method: clinical testing. Allele origin: germline.

Mayo Clinic Laboratories, Mayo Clinic
Classification: Uncertain significance. Last evaluated: 2024-07-24. Review status: criteria provided, single submitter. Criteria: ACMG Guidelines, 2015. Collection method: clinical testing. Allele origin: germline. Observed: 1 variant allele.
Comment: BP4, PM2

Ambry Genetics
Classification: Uncertain significance for Inborn genetic diseases. Last evaluated: 2023-10-25. Review status: criteria provided, single submitter. Criteria: Ambry Variant Classification Scheme 2023. Collection method: clinical testing. Allele origin: germline.